The following is an entry in ClinVar:

NM_130837.3(OPA1):c.2301C>T (p.His767=)

Gene: OPA1 (OPA1 mitochondrial dynamin like GTPase; plus strand). Cytogenetic location: 3q29.
Variant type: single nucleotide variant.
Coding change: c.2301C>T on transcript NM_130837.3 (MANE Select); coding-DNA position 2301, C replaced by T.
Protein change: p.His767=; no amino-acid change (histidine 767 retained).
Molecular consequence: synonymous variant.
Genome position (GRCh38, 1-based): chr3:193,657,202, C>T. VCF-style: chr3-193657202-C-T. GRCh37 (hg19) VCF-style: chr3-193374991-C-T.
Other names: p.His712=; c.1767C>T, p.His589= (NM_001354663.2); c.1764C>T, p.His588= (NM_001354664.2); c.2136C>T, p.His712= (NM_015560.3); c.2028C>T, p.His676= (NM_130831.3); c.2082C>T, p.His694= (NM_130832.3); c.2139C>T, p.His713= (NM_130833.3); c.2190C>T, p.His730= (NM_130834.3); and 2 more.
Identifiers: ClinVar variation 2110608 (VCV002110608.5), dbSNP rs1714064180, ClinGen allele CA437440210.

ClinVar aggregate classification (germline): Likely benign. Review status: criteria provided, multiple submitters, no conflicts (2 of 4 stars). 2 submissions from 2 submitters: Likely benign (2). Last evaluated 2025-06-18.

Submissions (2):

Labcorp Genetics (formerly Invitae), Labcorp
Classification: Likely benign. Last evaluated: 2025-06-18. Review status: criteria provided, single submitter. Criteria: Invitae Variant Classification Sherloc (09022015). Collection method: clinical testing. Allele origin: germline.

Mayo Clinic Laboratories, Mayo Clinic
Classification: Likely benign. Last evaluated: 2025-02-05. Review status: criteria provided, single submitter. Criteria: ACMG Guidelines, 2015. Collection method: clinical testing. Allele origin: germline. Observed: 1 variant allele.
Comment: BP4, BP7